The following is an entry in ClinVar:

ClinVar aggregate classification (germline): Uncertain significance (1 of 4 stars; one submission).

gnomAD v4.1: 3 of 1,614,116 alleles (0.00019%); highest among the groups gnomAD compares: Non-Finnish European, 0.00025%; no homozygotes.

Submission:

GeneDx
Classification: Uncertain significance. Last evaluated: 2026-03-26. Review status: criteria provided, single submitter. Criteria: GeneDx Variant Classification Process June 2021. Collection method: clinical testing. Allele origin: germline.
Comment: Not observed at significant frequency in large population cohorts (gnomAD); In silico analysis suggests that this missense variant does not alter protein structure/function; Has not been previously published as pathogenic or benign to our knowledge

NM_001286.5(CLCN6):c.400C>A (p.Leu134Met)

Gene: CLCN6 (Cl-/H+ antiporter 6; plus strand). Cytogenetic location: 1p36.22.
Variant type: single nucleotide variant.
Coding change: c.400C>A on transcript NM_001286.5 (MANE Select); coding-DNA position 400, C replaced by A.
Protein change: p.Leu134Met; replaces leucine 134 with methionine.
Molecular consequence: missense variant. On other transcripts: non-coding transcript variant (1).
Genome position (GRCh38, 1-based): chr1:11,822,748, C>A. VCF-style: chr1-11822748-C-A. GRCh37 (hg19) VCF-style: chr1-11882805-C-A.
Other names: c.334C>A, p.Leu112Met (NM_001256959.2); short protein forms L112M, L134M.
Identifiers: ClinVar variation 5017629 (VCV005017629.1).